The following is an entry in ClinVar:

NC_000006.11:g.(123714823_123759207)_(123760149_123786050)del

Gene: TRDN (triadin; minus strand). Cytogenetic location: 6q22.31.
Variant type: Deletion.
Identifiers: ClinVar variation 4887260 (VCV004887260.1).

ClinVar aggregate classification (germline): Uncertain significance (1 of 4 stars; one submission).

Submission:

Women's Health and Genetics/Laboratory Corporation of America, LabCorp
Classification: Uncertain significance. Last evaluated: 2026-06-15. Review status: criteria provided, single submitter. Criteria: LabCorp Variant Classification Summary - May 2015. Collection method: clinical testing. Allele origin: germline.
Comment: Variant summary: The variant involves the deletion of exons 11-12 in the TRDN gene. A presumed nomenclature of c.(931+1_932-1)_(1051+1_1052-1)del has been designated for the purposes of this classification. This Copy Number Variant (CNV) is predicted to result in an in-frame deletion within this gene. Loss-of-function variants in this gene are known to be pathogenic. The variant was absent in 21678 control chromosomes. The available data on variant occurrences in the general population are insufficient to allow any conclusion about variant significance. To our knowledge, no occurrence of c.(931+1_932-1)_(1051+1_1052-1)del in individuals affected with TRDN-related conditions and no experimental evidence demonstrating its impact on protein function have been reported. ClinVar contains an entry for this variant (Variation ID: 1449020). Based on the evidence outlined above, the variant was classified as uncertain significance.